The following is an entry in ClinVar:

NM_001099409.3(EHBP1L1):c.1361C>T (p.Thr454Ile)

Gene: EHBP1L1 (EH domain binding protein 1 like 1; plus strand). Cytogenetic location: 11q13.1.
Variant type: single nucleotide variant.
Coding change: c.1361C>T on transcript NM_001099409.3 (MANE Select); coding-DNA position 1361, C replaced by T.
Protein change: p.Thr454Ile; replaces threonine 454 with isoleucine.
Molecular consequence: missense variant. On other transcripts: intron variant (1).
Genome position (GRCh38, 1-based): chr11:65,582,033, C>T. VCF-style: chr11-65582033-C-T. GRCh37 (hg19) VCF-style: chr11-65349504-C-T.
Other names: c.819+707C>T (NM_001351087.2); short protein forms T454I.
Identifiers: ClinVar variation 3250729 (VCV003250729.18), dbSNP rs76222487.
Genomic context (GRCh38, chr11:65,582,033, plus strand): 5'-ATGTGGACACTAAGGGACCAGAGGCGACAGGGGTGATGCCTGAGGCAAGATGCAGGGGGA[C>T]CCCTGAGGCTCCTCCAAGGGGCTCTCAGGGGAGGCTGGGAGTCAGGACCAGGGATGAGGC-3'
Protein context (NP_001092879.1, residues 444-464): GVMPEARCRG[Thr454Ile]PEAPPRGSQG

ClinVar aggregate classification (germline): Likely benign (1 of 4 stars; one submission).

Allele frequency attached by ClinVar (database versions not stated): gnomAD 0.00033; ExAC 0.00091; 1000 Genomes Project 30x 0.00281; 1000 Genomes Project 0.00319.
gnomAD v4.1: 568 of 1,613,456 alleles (0.035%); highest among the groups gnomAD compares: East Asian, 1.2%; 2 homozygotes.

Submission:

CeGaT Center for Human Genetics Tuebingen
Classification: Likely benign. Last evaluated: 2024-06-01. Review status: criteria provided, single submitter. Criteria: CeGaT Center For Human Genetics Tuebingen Variant Classification Criteria Version 2. Collection method: clinical testing. Allele origin: germline. Affected: yes. Observed: 1 variant allele.
Comment: EHBP1L1: BP4, BS1